The following is an entry in ClinVar:

NM_021975.4(RELA):c.1220del (p.Pro407fs)

Gene: RELA (RELA proto-oncogene, NF-kB subunit; minus strand). Cytogenetic location: 11q13.1.
Variant type: Deletion.
Coding change: c.1220del on transcript NM_021975.4 (MANE Select); coding-DNA position 1220, one base deleted (C; older notation c.1220delC).
Protein change: p.Pro407fs; shifts the reading frame from proline 407.
Molecular consequence: frameshift variant. On other transcripts: intron variant (1), splice donor variant (1).
Genome position (GRCh38, 1-based): chr11:65,654,814, G deleted on the plus strand (C on the coding strand, the reverse complement: RELA is on the minus strand); the first of 4 consecutive G bases (chr11:65,654,814-65,654,817); deleting any one gives the same sequence. VCF-style (leftmost placement, unchanged base first): chr11-65654813-TG-T. GRCh37 (hg19) VCF-style: chr11-65422284-TG-T.
Other names: c.1211del, p.Pro404fs (NM_001145138.2); c.1253del, p.Pro418fs (NM_001404657.1); c.1193del, p.Pro398fs (NM_001404658.1); c.1007del, p.Pro336fs (NM_001404659.1); c.902del, p.Pro301fs (NM_001404660.1); c.839del, p.Pro280fs (NM_001404661.1); c.1127del, p.Pro376fs (NM_001404662.1, NM_001404663.1); c.1034-21del (NM_001243984.2); and 1 more; short protein forms P398fs, P336fs, P404fs, P376fs, P407fs, P418fs, P280fs, P301fs.
Identifiers: ClinVar variation 2826136 (VCV002826136.3), dbSNP rs2496826579, ClinGen allele CA2739270612.

ClinVar aggregate classification (germline): Pathogenic (1 of 4 stars; one submission).

Submission:

Labcorp Genetics (formerly Invitae), Labcorp
Classification: Pathogenic. Last evaluated: 2023-01-03. Review status: criteria provided, single submitter. Criteria: Invitae Variant Classification Sherloc (09022015). Collection method: clinical testing. Allele origin: germline.
Comment: For these reasons, this variant has been classified as Pathogenic. This variant disrupts a region of the RELA protein in which other variant(s) (p.His487Thrfs*7) have been determined to be pathogenic (PMID: 32969189). This suggests that this is a clinically significant region of the protein, and that variants that disrupt it are likely to be disease-causing. This variant has not been reported in the literature in individuals affected with RELA-related conditions. This variant is not present in population databases (gnomAD no frequency). This sequence change creates a premature translational stop signal (p.Pro407Glnfs*7) in the RELA gene. While this is not anticipated to result in nonsense mediated decay, it is expected to disrupt the last 145 amino acid(s) of the RELA protein.

Literature cited by the submitters: PubMed 32969189.